The following is an entry in ClinVar:

Single allele

Genes: ARRDC4 (arrestin domain containing 4; plus strand), NR2F2 (nuclear receptor subfamily 2 group F member 2; plus strand), SPATA8 (spermatogenesis associated 8; plus strand). Cytogenetic location: 15q26.2-26.3.
Variant type: Duplication.
Identifiers: ClinVar variation 2671596 (VCV002671596.1).

ClinVar aggregate classification (germline): Uncertain significance (1 of 4 stars; one submission).

Submission:

Illumina Laboratory Services, Illumina
Classification: Uncertain significance. Last evaluated: 2023-08-11. Review status: criteria provided, single submitter. Criteria: ICSL CNVClassificationCriteria Aug2020. Collection method: clinical testing. Allele origin: unknown.
Comment: This CNV is a 2.2 Mb duplication of 15q26.2-q26.3 on chromosome 15, (seq[GRCh37]dup(15)(q26.2-26.3);NC_000015.9:g.96345673_98563904dup) that occurred de novo. This CNV encompasses two protein coding genes, ARRDC4 and NR2F2. Duplication of a similar region is not common in controls and has not, to our knowledge, been described in the peer-reviewed literature. However, a larger, 3.6 Mb duplication affecting the same protein coding genes has been classified as likely pathogenic in ClinVar (VID 395722). In addition, a patient in the DECIPHER database, 266158, whose phenotype includes triangular face, brachydactyly, 5th finger clinodactyly, lower limb hypertrophy, abnormal repetitive mannerisms, and intellectual disability, is reported to have inherited a 1.85 Mb duplication of 15q26.3 including the NR2F2 gene from an unaffected parent. This individual also carried additional inherited CNVs, including a 5.0 Mb terminal deletion of 15q26.3 distal to the duplication. Based on the available evidence, this CNV is classified as a variant of uncertain significance.